The following is an entry in ClinVar:

ClinVar aggregate classification (germline): Pathogenic. Review status: criteria provided, multiple submitters, no conflicts (2 of 4 stars). 2 submissions from 2 submitters: Pathogenic (2). Last evaluated 2022-02-05.

Conditions:
Inborn genetic diseases. Identifiers: MedGen C0950123, MeSH D030342.
Developmental and epileptic encephalopathy, 42 (DEE42A). Also called: Epileptic encephalopathy, early infantile, 42; DEVELOPMENTAL AND EPILEPTIC ENCEPHALOPATHY 42A; EPILEPTIC ENCEPHALOPATHY, EARLY INFANTILE, 42A. Identifiers: MedGen C4310716, MONDO:0014917, OMIM 617106.
Episodic ataxia type 2 (EA2). Also called: CEREBELLAR ATAXIA, PAROXYSMAL, ACETAZOLAMIDE-RESPONSIVE; CEREBELLOPATHY, HEREDITARY PAROXYSMAL; EPISODIC ATAXIA, NYSTAGMUS-ASSOCIATED; ACETAZOLAMIDE-RESPONSIVE HEREDITARY PAROXYSMAL CEREBELLAR ATAXIA; ATAXIA, EPISODIC, WITH NYSTAGMUS; ATAXIA, FAMILIAL PAROXYSMAL. Identifiers: Orphanet 97, MedGen C1720416, MONDO:0007163, OMIM 108500.

Submissions (2):

Labcorp Genetics (formerly Invitae), Labcorp
Classification: Pathogenic for Developmental and epileptic encephalopathy, 42; Episodic ataxia type 2. Last evaluated: 2022-02-05. Review status: criteria provided, single submitter. Criteria: Invitae Variant Classification Sherloc (09022015). Collection method: clinical testing. Allele origin: germline.
Comment: For these reasons, this variant has been classified as Pathogenic. ClinVar contains an entry for this variant (Variation ID: 985513). This variant has not been reported in the literature in individuals affected with CACNA1A-related conditions. This variant is not present in population databases (gnomAD no frequency). This sequence change creates a premature translational stop signal (p.Glu843*) in the CACNA1A gene. It is expected to result in an absent or disrupted protein product. Loss-of-function variants in CACNA1A are known to be pathogenic (PMID: 10371528, 19486177, 25735478, 27250579).

Ambry Genetics
Classification: Pathogenic for Inborn genetic diseases. Last evaluated: 2018-04-26. Review status: criteria provided, single submitter. Criteria: Ambry Variant Classification Scheme 2023. Collection method: clinical testing. Allele origin: germline.
Comment: The p.E843* pathogenic mutation (also known as c.2527G>T), located in coding exon 19 of the CACNA1A gene, results from a G to T substitution at nucleotide position 2527. This changes the amino acid from a glutamic acid to a stop codon within coding exon 19. This alteration is expected to result in loss of function by premature protein truncation or nonsense-mediated mRNA decay. As such, this alteration is interpreted as a disease-causing mutation.

Literature cited by the submitters: PubMed 10371528 (cited by Labcorp Genetics (formerly Invitae), Labcorp); PubMed 19486177 (cited by Labcorp Genetics (formerly Invitae), Labcorp); PubMed 25735478 (cited by Labcorp Genetics (formerly Invitae), Labcorp); PubMed 27250579 (cited by Labcorp Genetics (formerly Invitae), Labcorp).

NM_001127222.2(CACNA1A):c.2524G>T (p.Glu842Ter)

Gene: CACNA1A (calcium voltage-gated channel subunit alpha1 A; minus strand). Cytogenetic location: 19p13.13.
Variant type: single nucleotide variant.
Coding change: c.2524G>T on transcript NM_001127222.2 (MANE Select); coding-DNA position 2524, G replaced by T.
Protein change: p.Glu842Ter; replaces glutamic acid 842 with a stop codon.
Molecular consequence: nonsense.
Genome position (GRCh38, 1-based): chr19:13,299,109, C>A on the plus strand (G>T on the coding strand, the complement: CACNA1A is on the minus strand). VCF-style: chr19-13299109-C-A. GRCh37 (hg19) VCF-style: chr19-13409923-C-A.
Other names: c.2536G>T, p.Glu846Ter (NM_000068.4, NM_023035.3); c.2527G>T, p.Glu843Ter (NM_001127221.2, NM_001174080.2); short protein forms E842*, E843*, E846*.
Identifiers: ClinVar variation 985513 (VCV000985513.9), dbSNP rs767534576, ClinGen allele CA404343264.